The following is an entry in ClinVar:

NM_181882.3(PRX):c.1999del (p.Leu667fs)

Gene: PRX (periaxin; minus strand). Cytogenetic location: 19q13.2.
Variant type: Deletion.
Coding change: c.1999del on transcript NM_181882.3 (MANE Select); coding-DNA position 1999, one base deleted (C; older notation c.1999delC).
Protein change: p.Leu667fs; shifts the reading frame from leucine 667.
Molecular consequence: frameshift variant. On other transcripts: 3 prime UTR variant (1).
Genome position (GRCh38, 1-based): chr19:40,396,353, G deleted on the plus strand (C on the coding strand, the reverse complement: PRX is on the minus strand). VCF-style (leftmost placement, unchanged base first): chr19-40396352-AG-A. GRCh37 (hg19) VCF-style: chr19-40902259-AG-A.
Other names: c.2284del, p.Leu762fs (NM_001411127.1); c.*2204del (NM_020956.2); short protein forms L762fs, L667fs.
Identifiers: ClinVar variation 2851657 (VCV002851657.3), dbSNP rs2514804861, ClinGen allele CA2739276802.

ClinVar aggregate classification (germline): Pathogenic (1 of 4 stars; one submission).

Conditions:
Charcot-Marie-Tooth disease type 4. Also called: Charcot-Marie-Tooth disease, type IV; Charcot-Marie-Tooth, Type 4. Identifiers: Orphanet 64749, MedGen C4082197, MONDO:0018995.

Submission:

Labcorp Genetics (formerly Invitae), Labcorp
Classification: Pathogenic for Charcot-Marie-Tooth disease type 4. Last evaluated: 2023-04-03. Review status: criteria provided, single submitter. Criteria: Invitae Variant Classification Sherloc (09022015). Collection method: clinical testing. Allele origin: germline.
Comment: For these reasons, this variant has been classified as Pathogenic. This variant disrupts a region of the PRX protein in which other variant(s) (p.Gln1169*) have been determined to be pathogenic (Invitae). This suggests that this is a clinically significant region of the protein, and that variants that disrupt it are likely to be disease-causing. This variant has not been reported in the literature in individuals affected with PRX-related conditions. This variant is not present in population databases (gnomAD no frequency). This sequence change creates a premature translational stop signal (p.Leu667Serfs*25) in the PRX gene. While this is not anticipated to result in nonsense mediated decay, it is expected to disrupt the last 795 amino acid(s) of the PRX protein.